The following is an entry in ClinVar:

ClinVar aggregate classification (germline): Likely pathogenic (1 of 4 stars; one submission).

Conditions:
Ataxia-telangiectasia syndrome (AT). Also called: Ataxia-telangiectasia, complementation group D; AT, COMPLEMENTATION GROUP C; ATAXIA-TELANGIECTASIA, COMPLEMENTATION GROUP A; ATAXIA-TELANGIECTASIA, FRESNO VARIANT; Ataxia-telangiectasia; Ataxia-telangiectasia, complementation group E. Identifiers: Orphanet 100, MedGen C0004135, MONDO:0008840, OMIM 208900.

Submission:

Labcorp Genetics (formerly Invitae), Labcorp
Classification: Likely pathogenic for Ataxia-telangiectasia syndrome. Last evaluated: 2024-05-21. Review status: criteria provided, single submitter. Criteria: Invitae Variant Classification Sherloc (09022015). Collection method: clinical testing. Allele origin: germline.
Comment: This sequence change affects a donor splice site in intron 54 of the ATM gene. It is expected to disrupt RNA splicing. Variants that disrupt the donor or acceptor splice site typically lead to a loss of protein function (PMID: 16199547), and loss-of-function variants in ATM are known to be pathogenic (PMID: 23807571, 25614872). This variant is not present in population databases (gnomAD no frequency). This variant has not been reported in the literature in individuals affected with ATM-related conditions. Algorithms developed to predict the effect of sequence changes on RNA splicing suggest that this variant may disrupt the consensus splice site. In summary, the currently available evidence indicates that the variant is pathogenic, but additional data are needed to prove that conclusively. Therefore, this variant has been classified as Likely Pathogenic.

Literature cited by the submitters: PubMed 16199547; PubMed 23807571; PubMed 25614872.

NM_000051.4(ATM):c.8010+2T>A

Genes: ATM (ATM serine/threonine kinase; plus strand), C11orf65 (chromosome 11 open reading frame 65; minus strand). Cytogenetic location: 11q22.3.
Variant type: single nucleotide variant.
Coding change: c.8010+2T>A on transcript NM_000051.4 (MANE Select); the canonical splice donor site of the intron after coding-DNA position 8010, T replaced by A.
Molecular consequence: splice donor variant. On other transcripts: intron variant (2).
Genome position (GRCh38, 1-based): chr11:108,333,970, T>A. VCF-style: chr11-108333970-T-A. GRCh37 (hg19) VCF-style: chr11-108204697-T-A.
Other names: c.8010+2T>A (NM_001351834.2); c.641-24899A>T (NM_001330368.2); c.*38+1250A>T (NM_001351110.2).
Identifiers: ClinVar variation 3654134 (VCV003654134.2).